The following is an entry in ClinVar:

ClinVar aggregate classification (germline): Uncertain significance. Review status: criteria provided, multiple submitters, no conflicts (2 of 4 stars). 2 submissions from 2 submitters: Uncertain significance (2). Last evaluated 2026-01-12.

Conditions:
Inborn genetic diseases. Identifiers: MedGen C0950123, MeSH D030342.

gnomAD v4.1: 6 of 1,614,172 alleles (0.00037%); highest among the groups gnomAD compares: South Asian, 0.0011%; no homozygotes.

Submissions (2):

Labcorp Genetics (formerly Invitae), Labcorp
Classification: Uncertain significance. Last evaluated: 2026-01-12. Review status: criteria provided, single submitter. Criteria: Invitae Variant Classification Sherloc (09022015). Collection method: clinical testing. Allele origin: germline.
Comment: This sequence change replaces lysine, which is basic and polar, with glutamine, which is neutral and polar, at codon 876 of the KCNH1 protein (p.Lys876Gln). This variant is not present in population databases (gnomAD no frequency). This variant has not been reported in the literature in individuals affected with KCNH1-related conditions. ClinVar contains an entry for this variant (Variation ID: 2828779). Invitae Evidence Modeling of protein sequence and biophysical properties (such as structural, functional, and spatial information, amino acid conservation, physicochemical variation, residue mobility, and thermodynamic stability) has been performed for this missense variant. However, the output from this modeling did not meet the statistical confidence thresholds required to predict the impact of this variant on KCNH1 protein function. In summary, the available evidence is currently insufficient to determine the role of this variant in disease. Therefore, it has been classified as a Variant of Uncertain Significance.

Ambry Genetics
Classification: Uncertain significance for Inborn genetic diseases. Last evaluated: 2024-03-07. Review status: criteria provided, single submitter. Criteria: Ambry Variant Classification Scheme 2023. Collection method: clinical testing. Allele origin: germline.

NM_172362.3(KCNH1):c.2626A>C (p.Lys876Gln)

Gene: KCNH1 (potassium voltage-gated channel subfamily H member 1; minus strand). Cytogenetic location: 1q32.2.
Variant type: single nucleotide variant.
Coding change: c.2626A>C on transcript NM_172362.3 (MANE Select); coding-DNA position 2626, A replaced by C.
Protein change: p.Lys876Gln; replaces lysine 876 with glutamine.
Molecular consequence: missense variant.
Genome position (GRCh38, 1-based): chr1:210,683,625, T>G on the plus strand (A>C on the coding strand, the complement: KCNH1 is on the minus strand). VCF-style: chr1-210683625-T-G. GRCh37 (hg19) VCF-style: chr1-210856967-T-G.
Other names: c.2545A>C, p.Lys849Gln (NM_002238.4); c.2626A>C (NM_172362.2); short protein forms K876Q, K849Q.
Identifiers: ClinVar variation 2828779 (VCV002828779.4), dbSNP rs1681329861, ClinGen allele CA344870778.